The following is an entry in ClinVar:

NM_001029883.3(PCARE):c.2705A>G (p.Lys902Arg)

Gene: PCARE (photoreceptor cilium actin regulator; minus strand). Cytogenetic location: 2p23.2.
Variant type: single nucleotide variant.
Coding change: c.2705A>G on transcript NM_001029883.3 (MANE Select); coding-DNA position 2705, A replaced by G.
Protein change: p.Lys902Arg; replaces lysine 902 with arginine.
Molecular consequence: missense variant.
Genome position (GRCh38, 1-based): chr2:29,071,557, T>C on the plus strand (A>G on the coding strand, the complement: PCARE is on the minus strand). VCF-style: chr2-29071557-T-C. GRCh37 (hg19) VCF-style: chr2-29294423-T-C.
Other names: short protein forms K902R.
Identifiers: ClinVar variation 2872975 (VCV002872975.3), dbSNP rs774991414, ClinGen allele CA1592141.

ClinVar aggregate classification (germline): Uncertain significance (1 of 4 stars; one submission).

Allele frequency attached by ClinVar (database versions not stated): gnomAD exomes 0.00001; ExAC 0.00003; gnomAD 0.00001.
gnomAD v4.1: 21 of 1,610,442 alleles (0.0013%); highest among the groups gnomAD compares: South Asian, 0.019%; no homozygotes.

Submission:

Labcorp Genetics (formerly Invitae), Labcorp
Classification: Uncertain significance. Last evaluated: 2025-05-05. Review status: criteria provided, single submitter. Criteria: Invitae Variant Classification Sherloc (09022015). Collection method: clinical testing. Allele origin: germline.
Comment: This sequence change replaces lysine, which is basic and polar, with arginine, which is basic and polar, at codon 902 of the PCARE protein (p.Lys902Arg). This variant is present in population databases (rs774991414, gnomAD 0.03%). This variant has not been reported in the literature in individuals affected with PCARE-related conditions. ClinVar contains an entry for this variant (Variation ID: 2872975). An algorithm developed to predict the effect of missense changes on protein structure and function outputs the following: PolyPhen-2: "Benign". The arginine amino acid residue is found in multiple mammalian species, which suggests that this missense change does not adversely affect protein function. In summary, the available evidence is currently insufficient to determine the role of this variant in disease. Therefore, it has been classified as a Variant of Uncertain Significance.